The following is an entry in ClinVar:

NM_015693.4(INTU):c.1788+1G>A

Gene: INTU (inturned planar cell polarity protein; plus strand). Cytogenetic location: 4q28.1.
Variant type: single nucleotide variant.
Coding change: c.1788+1G>A on transcript NM_015693.4 (MANE Select); the canonical splice donor site of the intron after coding-DNA position 1788, G replaced by A.
Molecular consequence: splice donor variant.
Genome position (GRCh38, 1-based): chr4:127,705,813, G>A. VCF-style: chr4-127705813-G-A. GRCh37 (hg19) VCF-style: chr4-128626968-G-A.
Identifiers: ClinVar variation 4811469 (VCV004811469.1).

ClinVar aggregate classification (germline): Uncertain significance (1 of 4 stars; one submission).

gnomAD v4.1: 3 of 1,612,022 alleles (0.00019%); highest among the groups gnomAD compares: Non-Finnish European, 0.00017%; no homozygotes.

Submission:

Labcorp Genetics (formerly Invitae), Labcorp
Classification: Uncertain significance. Last evaluated: 2025-11-25. Review status: criteria provided, single submitter. Criteria: Invitae Variant Classification Sherloc (09022015). Collection method: clinical testing. Allele origin: germline.
Comment: This sequence change affects a donor splice site in intron 11 of the INTU gene. It is expected to disrupt RNA splicing. Variants that disrupt the donor or acceptor splice site typically lead to a loss of protein function (PMID: 16199547), however the current clinical and genetic evidence is not sufficient to establish whether loss-of-function variants in INTU cause disease. This variant is present in population databases (rs749856762, gnomAD 0.0009%). This variant has not been reported in the literature in individuals affected with INTU-related conditions. Algorithms developed to predict the effect of sequence changes on RNA splicing suggest that this variant may disrupt the consensus splice site. In summary, the available evidence is currently insufficient to determine the role of this variant in disease. Therefore, it has been classified as a Variant of Uncertain Significance.

Literature cited by the submitters: PubMed 16199547.